The following is an entry in ClinVar:

NM_000038.6(APC):c.7425T>A (p.Thr2475=)

Gene: APC (APC regulator of Wnt signaling pathway; plus strand). Cytogenetic location: 5q22.2.
Variant type: single nucleotide variant.
Coding change: c.7425T>A on transcript NM_000038.6 (MANE Select); coding-DNA position 7425, T replaced by A.
Protein change: p.Thr2475=; no amino-acid change (threonine 2475 retained).
Molecular consequence: synonymous variant.
Genome position (GRCh38, 1-based): chr5:112,843,019, T>A. VCF-style: chr5-112843019-T-A. GRCh37 (hg19) VCF-style: chr5-112178716-T-A.
Other names: c.7425T>A, p.Thr2475= (NM_001127510.3, NM_001354895.2); c.7371T>A, p.Thr2457= (NM_001127511.3); c.7479T>A, p.Thr2493= (NM_001354896.2); c.7455T>A, p.Thr2485= (NM_001354897.2); c.7350T>A, p.Thr2450= (NM_001354898.2); c.7341T>A, p.Thr2447= (NM_001354899.2); c.7302T>A, p.Thr2434= (NM_001354900.2); c.7248T>A, p.Thr2416= (NM_001354901.2); and 5 more.
Identifiers: ClinVar variation 827039 (VCV000827039.15), dbSNP rs1554088347, ClinGen allele CA446210625.

ClinVar aggregate classification (germline): Benign/Likely benign. Review status: criteria provided, multiple submitters, no conflicts (2 of 4 stars). 3 submissions from 3 submitters: Benign (1); Likely benign (2). Last evaluated 2025-12-10.

Conditions:
Hereditary cancer-predisposing syndrome. Also called: Neoplastic Syndromes, Hereditary; Tumor predisposition; Hereditary neoplastic syndrome; Hereditary Cancer Syndrome. Identifiers: Orphanet 140162, MedGen C0027672, MeSH D009386, MONDO:0015356.
Familial adenomatous polyposis 1 (FAP1). Also called: POLYPOSIS, ADENOMATOUS INTESTINAL; FAMILIAL ADENOMATOUS POLYPOSIS 1, ATTENUATED. Identifiers: MedGen C2713442, MONDO:0021056, OMIM 175100. Disease mechanism: loss of function.

Allele frequency attached by ClinVar (database versions not stated): gnomAD 0.00001.
gnomAD v4.1: 2 of 1,613,842 alleles (0.00012%); highest among the groups gnomAD compares: African/African-American, 0.0013%; no homozygotes.

Submissions (3):

Labcorp Genetics (formerly Invitae), Labcorp
Classification: Likely benign for Familial adenomatous polyposis 1. Last evaluated: 2025-12-10. Review status: criteria provided, single submitter. Criteria: Invitae Variant Classification Sherloc (09022015). Collection method: clinical testing. Allele origin: germline.

Myriad Genetics, Inc.
Classification: Benign for Familial adenomatous polyposis 1. Last evaluated: 2024-04-09. Review status: criteria provided, single submitter. Criteria: Myriad Autosomal Dominant, Autosomal Recessive and X-Linked Classification Criteria (2023). Collection method: clinical testing. Allele origin: unknown.
Comment: This variant is considered benign. This variant is a silent/synonymous amino acid change and it is not expected to impact splicing.

Ambry Genetics
Classification: Likely benign for Hereditary cancer-predisposing syndrome. Last evaluated: 2019-03-08. Review status: criteria provided, single submitter. Criteria: Ambry Variant Classification Scheme 2023. Collection method: clinical testing. Allele origin: germline.